The following is an entry in ClinVar:

NM_001378454.1(ALMS1):c.12163C>G (p.Arg4055Gly)

Genes: ALMS1 (ALMS1 centrosome and basal body associated protein; plus strand), LOC126806252 (BRD4-independent group 4 enhancer GRCh37_chr2:73828496-73829695; plus strand). Cytogenetic location: 2p13.1.
Variant type: single nucleotide variant.
Coding change: c.12163C>G on transcript NM_001378454.1 (MANE Select); coding-DNA position 12163, C replaced by G.
Protein change: p.Arg4055Gly; replaces arginine 4055 with glycine.
Molecular consequence: missense variant.
Genome position (GRCh38, 1-based): chr2:73,602,233, C>G. VCF-style: chr2-73602233-C-G. GRCh37 (hg19) VCF-style: chr2-73829360-C-G.
Other names: c.12166C>G, p.Arg4056Gly (NM_015120.4); short protein forms R4055G, R4056G.
Identifiers: ClinVar variation 1751605 (VCV001751605.6), dbSNP rs569696567, ClinGen allele CA1715469.

ClinVar aggregate classification (germline): Uncertain significance/VUS-high. Review status: criteria provided, multiple submitters, no conflicts (2 of 4 stars). 3 submissions from 3 submitters: Uncertain significance (2); VUS-high (1). Last evaluated 2025-12-12.

Conditions:
Cardiovascular phenotype. Identifiers: MedGen CN230736.
Alstrom syndrome (ALMS). Identifiers: Orphanet 64, MedGen C0268425, MONDO:0008763, OMIM 203800.

Allele frequency attached by ClinVar (database versions not stated): 1000 Genomes Project 30x 0.00016; ExAC 0.00003; 1000 Genomes Project 0.00020.
gnomAD v4.1: 10 of 1,614,088 alleles (0.00062%); highest among the groups gnomAD compares: East Asian, 0.02%; no homozygotes.

Submissions (3):

Center for Molecular Medicine, Children’s Hospital of Fudan University
Classification: VUS-high for Alstrom syndrome. Last evaluated: 2025-12-12. Review status: criteria provided, single submitter. Criteria: ACMG Guidelines 2015. Collection method: clinical testing. Allele origin: paternal.
Comment: PM3+PM2_Supp+PP3

Ambry Genetics
Classification: Uncertain significance for Cardiovascular phenotype. Last evaluated: 2025-09-17. Review status: criteria provided, single submitter. Criteria: Ambry Variant Classification Scheme 2023. Collection method: clinical testing. Allele origin: germline.
Comment: The p.R4056G variant (also known as c.12166C>G), located in coding exon 20 of the ALMS1 gene, results from a C to G substitution at nucleotide position 12166. The arginine at codon 4056 is replaced by glycine, an amino acid with dissimilar properties. This variant has been identified in the homozygous state and/or in conjunction with other ALMS1 variant(s) in individual(s) with features that may be consistent with Alstrom syndrome (high myopia or early-onset dilated cardiomyopathy); in at least one instance, the variants were identified in trans (Xu Y et al. Clin Genet, 2016 Apr;89:442-447; Jiang P et al. World J Clin Cases, 2022 Mar;10:2330-2335l Qi Y et al. Gene, 2025 Apr;944:149285). Note, this variant is also referred to as p.R4054G (c.12160C>G) and p.R4055G (c.12163C>G) in the literature. This amino acid position is highly conserved in available vertebrate species. In addition, the in silico prediction for this alteration is inconclusive. Based on the available evidence, the clinical significance of this variant remains unclear.

Labcorp Genetics (formerly Invitae), Labcorp
Classification: Uncertain significance for Alstrom syndrome. Last evaluated: 2022-09-27. Review status: criteria provided, single submitter. Criteria: Invitae Variant Classification Sherloc (09022015). Collection method: clinical testing. Allele origin: germline.
Comment: This sequence change replaces arginine, which is basic and polar, with glycine, which is neutral and non-polar, at codon 4056 of the ALMS1 protein (p.Arg4056Gly). This variant is present in population databases (rs569696567, gnomAD 0.04%). This variant has not been reported in the literature in individuals affected with ALMS1-related conditions. Experimental studies and prediction algorithms are not available or were not evaluated, and the functional significance of this variant is currently unknown. In summary, the available evidence is currently insufficient to determine the role of this variant in disease. Therefore, it has been classified as a Variant of Uncertain Significance.

Literature cited by the submitters: PubMed 26010121 (cited by Ambry Genetics); PubMed 35321175 (cited by Ambry Genetics); PubMed 39884403 (cited by Ambry Genetics).